The following is an entry in ClinVar:

ClinVar aggregate classification (germline): Likely benign (0 of 4 stars; one submission).

Conditions:
MATR3-related disorder. Also called: MATR3-related condition.

Submission:

PreventionGenetics, part of Exact Sciences
Classification: Likely benign for MATR3-related condition. Last evaluated: 2024-05-22. Review status: no assertion criteria provided. Collection method: clinical testing. Allele origin: germline.
Comment: This variant is classified as likely benign based on ACMG/AMP sequence variant interpretation guidelines (Richards et al. 2015 PMID: 25741868, with internal and published modifications).

NM_018834.6(MATR3):c.1602+3_1602+4insTTG

Gene: MATR3 (matrin 3; plus strand). Cytogenetic location: 5q31.2.
Variant type: Insertion.
Coding change: c.1602+3_1602+4insTTG on transcript NM_018834.6 (MANE Select); bases 3 to 4 of the intron after coding-DNA position 1602, TTG inserted.
Molecular consequence: intron variant.
Genome position: GRCh38 VCF-style: chr5-139319504-A-ATTG. GRCh37 (hg19) VCF-style: chr5-138655193-A-ATTG.
Other names: c.1602+3_1602+4insTTG (NM_001400451.1, NM_001400450.1, NM_001400441.1 and 16 more transcripts); c.741+3_741+4insTTG (NM_001400459.1); c.588+3_588+4insTTG (NM_001400463.1, NM_001400460.1, NM_001282278.2 and 5 more transcripts); c.702+3_702+4insTTG (NM_001400461.1); c.738+3_738+4insTTG (NM_001194956.2).
Identifiers: ClinVar variation 3352457 (VCV003352457.1).
Genomic context (GRCh38, chr5:139,319,504, plus strand): 5'-GCTTGCTGAGCCTTATGGGAAAATAAAGAATTACATATTGATGAGGATGAAAAGTCAGGT[A>ATTG]ATATACATAAGGAAGTTTTAGAGAAGATAATTTATTAAAATCCTTAAGATTTTTCAATAT-3'